The following is an entry in ClinVar:

ClinVar aggregate classification (germline): Uncertain significance. Review status: criteria provided, multiple submitters, no conflicts (2 of 4 stars). 3 submissions from 3 submitters: Uncertain significance (3). Last evaluated 2024-08-19.

Conditions:
Inborn genetic diseases. Identifiers: MedGen C0950123, MeSH D030342.

Allele frequency attached by ClinVar (database versions not stated): gnomAD exomes below 0.00001 and 0.00001; gnomAD 0.00001; TOPMed 0.00002.

Submissions (3):

Ambry Genetics
Classification: Uncertain significance for Inborn genetic diseases. Last evaluated: 2024-08-19. Review status: criteria provided, single submitter. Criteria: Ambry Variant Classification Scheme 2023. Collection method: clinical testing. Allele origin: germline.

GeneDx
Classification: Uncertain significance. Last evaluated: 2023-12-20. Review status: criteria provided, single submitter. Criteria: GeneDx Variant Classification Process June 2021. Collection method: clinical testing. Allele origin: germline. Affected: yes.
Comment: Not observed at significant frequency in large population cohorts (gnomAD); In silico analysis supports that this missense variant has a deleterious effect on protein structure/function; Has not been previously published as pathogenic or benign to our knowledge

Labcorp Genetics (formerly Invitae), Labcorp
Classification: Uncertain significance. Last evaluated: 2022-09-01. Review status: criteria provided, single submitter. Criteria: Invitae Variant Classification Sherloc (09022015). Collection method: clinical testing. Allele origin: germline.
Comment: In summary, the available evidence is currently insufficient to determine the role of this variant in disease. Therefore, it has been classified as a Variant of Uncertain Significance. Advanced modeling of protein sequence and biophysical properties (such as structural, functional, and spatial information, amino acid conservation, physicochemical variation, residue mobility, and thermodynamic stability) performed at Invitae indicates that this missense variant is expected to disrupt EARS2 protein function. ClinVar contains an entry for this variant (Variation ID: 1466021). This variant has not been reported in the literature in individuals affected with EARS2-related conditions. This variant is present in population databases (no rsID available, gnomAD 0.007%). This sequence change replaces arginine, which is basic and polar, with tryptophan, which is neutral and slightly polar, at codon 156 of the EARS2 protein (p.Arg156Trp).

NM_001083614.2(EARS2):c.466C>T (p.Arg156Trp)

Gene: EARS2 (glutamyl-tRNA synthetase 2, mitochondrial; minus strand). Cytogenetic location: 16p12.2.
Variant type: single nucleotide variant.
Coding change: c.466C>T on transcript NM_001083614.2 (MANE Select); coding-DNA position 466, C replaced by T.
Protein change: p.Arg156Trp; replaces arginine 156 with tryptophan.
Molecular consequence: missense variant. On other transcripts: non-coding transcript variant (1).
Genome position (GRCh38, 1-based): chr16:23,544,533, G>A on the plus strand (C>T on the coding strand, the complement: EARS2 is on the minus strand). VCF-style: chr16-23544533-G-A. GRCh37 (hg19) VCF-style: chr16-23555854-G-A.
Other names: c.466C>T, p.Arg156Trp (NM_001308211.1); c.466C>T (NM_001083614.1); short protein forms R156W.
Identifiers: ClinVar variation 1466021 (VCV001466021.8), dbSNP rs1225342181, ClinGen allele CA395138361.